The following is an entry in ClinVar:

NM_000719.7(CACNA1C):c.236C>T (p.Thr79Met)

Gene: CACNA1C (calcium voltage-gated channel subunit alpha1 C; plus strand). Cytogenetic location: 12p13.33.
Variant type: single nucleotide variant.
Coding change: c.236C>T on transcript NM_000719.7 (MANE Select); coding-DNA position 236, C replaced by T.
Protein change: p.Thr79Met; replaces threonine 79 with methionine.
Molecular consequence: missense variant.
Genome position (GRCh38, 1-based): chr12:2,115,410, C>T. VCF-style: chr12-2115410-C-T. GRCh37 (hg19) VCF-style: chr12-2224576-C-T.
Other names: p.T79M:ACG>ATG; c.236C>T, p.Thr79Met (NM_001129827.2, NM_001129829.2, NM_001129830.3 and 19 more transcripts); short protein forms T79M.
Identifiers: ClinVar variation 190683 (VCV000190683.15), dbSNP rs749031775, ClinGen allele CA301607.

ClinVar aggregate classification (germline): Conflicting classifications of pathogenicity. Review status: criteria provided, conflicting classifications (1 of 4 stars). 4 submissions from 4 submitters: Uncertain significance (2); Likely benign (2). Last evaluated 2025-01-15.

Conditions:
Cardiovascular phenotype. Identifiers: MedGen CN230736.
Brugada syndrome 3 (BRGDA3). Identifiers: Orphanet 130, MedGen C2678478, MONDO:0012742, OMIM 611875.
Long QT syndrome 8. Identifiers: MedGen CN260585, MONDO:0032756, OMIM 618447.
Timothy syndrome (TS). Also called: LONG QT SYNDROME WITH SYNDACTYLY. Identifiers: Orphanet 65283, MedGen C1832916, MeSH C536962, MONDO:0010979, OMIM 601005.
Long QT syndrome (LQTS). Identifiers: MedGen C0023976, MeSH D008133, MONDO:0002442. Disease mechanism: loss of function. Inheritance: Various modes of inheritance.

Allele frequency attached by ClinVar (database versions not stated): gnomAD 0.00001; gnomAD exomes 0.00001 and 0.00002; TOPMed 0.00001; ExAC 0.00003.
gnomAD v4.1: 15 of 1,612,226 alleles (0.00093%); highest among the groups gnomAD compares: East Asian, 0.0022%; no homozygotes.

Submissions (4):

Labcorp Genetics (formerly Invitae), Labcorp
Classification: Likely benign for Long QT syndrome. Last evaluated: 2025-01-15. Review status: criteria provided, single submitter. Criteria: Invitae Variant Classification Sherloc (09022015). Collection method: clinical testing. Allele origin: germline.

Ambry Genetics
Classification: Likely benign for Cardiovascular phenotype. Last evaluated: 2021-09-29. Review status: criteria provided, single submitter. Criteria: Ambry Variant Classification Scheme 2023. Collection method: clinical testing. Allele origin: germline.

Fulgent Genetics
Classification: Uncertain significance for Timothy syndrome; Brugada syndrome 3; Long QT syndrome 8. Last evaluated: 2021-09-12. Review status: criteria provided, single submitter. Criteria: ACMG Guidelines, 2015. Collection method: clinical testing. Allele origin: unknown.

GeneDx
Classification: Uncertain significance. Last evaluated: 2014-05-10. Review status: criteria provided, single submitter. Criteria: GeneDx Variant Classification (06012015). Collection method: clinical testing. Allele origin: germline. Affected: yes.
Comment: p.Thr79Met (ACG>ATG): c.236 C>T in exon 2 of the CACNA1C gene (NM_000719.6). The T79M variant has not been published as a mutation, nor has it been reported as a benign polymorphism to our knowledge. The T79M variant was not observed in approximately 6,400 individuals of European and African American ancestry in the NHLBI Exome Sequencing Project, indicating it is not a common benign variant in these populations. The T79M variant is a non-conservative amino acid substitution, which is likely to impact secondary protein structure as these residues differ in polarity, charge, size and/or other properties. This substitution occurs at a position that is conserved across species. However, in silico analysis is inconsistent in its predictions as to whether or not the variant is damaging to the protein structure/function. Furthermore, no missense mutations in nearby residues have been reported, indicating this region of the protein may be tolerant of change. Therefore, based on the currently available information, it is unclear whether this variant is a pathogenic mutation or a rare benign variant. The variant is found in LQT panel(s).